The following is an entry in ClinVar:

NM_000532.5(PCCB):c.38G>A (p.Arg13Lys)

Gene: PCCB (propionyl-CoA carboxylase subunit beta; plus strand). Cytogenetic location: 3q22.3.
Variant type: single nucleotide variant.
Coding change: c.38G>A on transcript NM_000532.5 (MANE Select); coding-DNA position 38, G replaced by A.
Protein change: p.Arg13Lys; replaces arginine 13 with lysine.
Molecular consequence: missense variant.
Genome position (GRCh38, 1-based): chr3:136,250,413, G>A. VCF-style: chr3-136250413-G-A. GRCh37 (hg19) VCF-style: chr3-135969255-G-A.
Other names: c.38G>A, p.Arg13Lys (NM_001178014.2); short protein forms R13K.
Identifiers: ClinVar variation 967851 (VCV000967851.12), dbSNP rs1941477030, ClinGen allele CA354737868.

ClinVar aggregate classification (germline): Uncertain significance. Review status: criteria provided, single submitter (1 of 4 stars). 2 submissions from 2 submitters: Uncertain significance (1). 1 of the submissions does not count toward it. Last evaluated 2023-12-06.

Conditions:
Propionic acidemia (PROP). Also called: GLYCINEMIA, KETOTIC; HYPERGLYCINEMIA WITH KETOACIDOSIS AND LEUKOPENIA; KETOTIC HYPERGLYCINEMIA. Identifiers: Orphanet 35, MedGen C0268579, MONDO:0011628, OMIM 606054, HP:0003571.

Allele frequency attached by ClinVar (database versions not stated): gnomAD 0.00001.
gnomAD v4.1: 18 of 1,579,174 alleles (0.0011%); highest among the groups gnomAD compares: Non-Finnish European, 0.0015%; no homozygotes.

Submissions (2):

Labcorp Genetics (formerly Invitae), Labcorp
Classification: Uncertain significance for Propionic acidemia. Last evaluated: 2023-12-06. Review status: criteria provided, single submitter. Criteria: Invitae Variant Classification Sherloc (09022015). Collection method: clinical testing. Allele origin: germline.
Comment: This sequence change replaces arginine, which is basic and polar, with lysine, which is basic and polar, at codon 13 of the PCCB protein (p.Arg13Lys). This variant is not present in population databases (gnomAD no frequency). This variant has not been reported in the literature in individuals affected with PCCB-related conditions. ClinVar contains an entry for this variant (Variation ID: 967851). Algorithms developed to predict the effect of missense changes on protein structure and function output the following: SIFT: "Not Available"; PolyPhen-2: "Not Available"; Align-GVGD: "Not Available". The lysine amino acid residue is found in multiple mammalian species, which suggests that this missense change does not adversely affect protein function. In summary, the available evidence is currently insufficient to determine the role of this variant in disease. Therefore, it has been classified as a Variant of Uncertain Significance.

Natera, Inc.
Classification: Uncertain significance for Propionic acidemia. Last evaluated: 2021-05-14. Review status: no assertion criteria provided. Collection method: clinical testing. Allele origin: germline. Not counted in ClinVar's aggregate classification.